The following is an entry in ClinVar:

NM_152383.5(DIS3L2):c.55G>A (p.Val19Met)

Gene: DIS3L2 (DIS3 like 3'-5' exoribonuclease 2; plus strand). Cytogenetic location: 2q37.1.
Variant type: single nucleotide variant.
Coding change: c.55G>A on transcript NM_152383.5 (MANE Select); coding-DNA position 55, G replaced by A.
Protein change: p.Val19Met; replaces valine 19 with methionine.
Molecular consequence: missense variant. On other transcripts: non-coding transcript variant (2).
Genome position (GRCh38, 1-based): chr2:232,015,516, G>A. VCF-style: chr2-232015516-G-A. GRCh37 (hg19) VCF-style: chr2-232880226-G-A.
Other names: c.55G>A, p.Val19Met (NM_001257281.2, NM_001257282.2); short protein forms V19M.
Identifiers: ClinVar variation 2911996 (VCV002911996.3), dbSNP rs2469595468, ClinGen allele CA351151814.

ClinVar aggregate classification (germline): Uncertain significance (1 of 4 stars; one submission).

Conditions:
Perlman syndrome (PRLMNS). Identifiers: Orphanet 2849, MedGen C0796113, MONDO:0009965, OMIM 267000.

Submission:

Labcorp Genetics (formerly Invitae), Labcorp
Classification: Uncertain significance for Perlman syndrome. Last evaluated: 2025-10-22. Review status: criteria provided, single submitter. Criteria: Invitae Variant Classification Sherloc (09022015). Collection method: clinical testing. Allele origin: germline.
Comment: This sequence change replaces valine, which is neutral and non-polar, with methionine, which is neutral and non-polar, at codon 19 of the DIS3L2 protein (p.Val19Met). This variant is not present in population databases (gnomAD no frequency). This variant has not been reported in the literature in individuals affected with DIS3L2-related conditions. ClinVar contains an entry for this variant (Variation ID: 2911996). An algorithm developed to predict the effect of missense changes on protein structure and function (PolyPhen-2) suggests that this variant is likely to be tolerated. In summary, the available evidence is currently insufficient to determine the role of this variant in disease. Therefore, it has been classified as a Variant of Uncertain Significance.